The following is an entry in ClinVar:

ClinVar aggregate classification (germline): Benign. Review status: criteria provided, multiple submitters, no conflicts (2 of 4 stars). 5 submissions from 5 submitters: Benign (4). 1 of the submissions does not count toward it. Last evaluated 2026-02-04.

Allele frequency attached by ClinVar (database versions not stated): gnomAD 0.40012 and 0.40897; gnomAD exomes 0.41065 and 0.34776; ExAC 0.35245; 1000 Genomes Project 0.29073; 1000 Genomes Project 30x 0.30247; TOPMed 0.39728.
gnomAD v4.1: 660,750 of 1,613,682 alleles (41%); highest among the groups gnomAD compares: Middle Eastern, 49%; 141,439 homozygotes.

Submissions (5):

Labcorp Genetics (formerly Invitae), Labcorp
Classification: Benign. Last evaluated: 2026-02-04. Review status: criteria provided, single submitter. Criteria: Invitae Variant Classification Sherloc (09022015). Collection method: clinical testing. Allele origin: germline.

GeneDx
Classification: Benign. Last evaluated: 2015-03-03. Review status: criteria provided, single submitter. Criteria: GeneDx Variant Classification Process June 2021. Collection method: clinical testing. Allele origin: germline. Affected: yes.
Comment: This variant is associated with the following publications: (PMID: 9989794, 25040198, 20128788)

Breakthrough Genomics
Classification: Benign. Review status: criteria provided, single submitter. Criteria: ACMG Guidelines, 2015. Collection method: not provided. Allele origin: germline. Inheritance: Autosomal recessive inheritance. Affected: yes.

PreventionGenetics, part of Exact Sciences
Classification: Benign. Review status: criteria provided, single submitter. Criteria: ACMG Guidelines, 2015. Collection method: clinical testing. Allele origin: germline.

Epithelial Biology;  Institute of Medical Biology, Singapore
No classification provided. Review status: no classification provided. Collection method: not provided. Allele origin: not provided. Not counted in ClinVar's aggregate classification.

NM_000526.5(KRT14):c.280G>A (p.Ala94Thr)

Gene: KRT14 (keratin 14; minus strand). Cytogenetic location: 17q21.2.
Variant type: single nucleotide variant.
Coding change: c.280G>A on transcript NM_000526.5 (MANE Select); coding-DNA position 280, G replaced by A.
Protein change: p.Ala94Thr; replaces alanine 94 with threonine.
Molecular consequence: missense variant.
Genome position (GRCh38, 1-based): chr17:41,586,555, C>T on the plus strand (G>A on the coding strand, the complement: KRT14 is on the minus strand). VCF-style: chr17-41586555-C-T. GRCh37 (hg19) VCF-style: chr17-39742807-C-T.
Other names: short protein forms A94T.
Identifiers: ClinVar variation 66336 (VCV000066336.11), dbSNP rs3826550, ClinGen allele CA216890.